The following is an entry in ClinVar:

NM_014495.4(ANGPTL3):c.521G>A (p.Ser174Asn)

Genes: ANGPTL3 (angiopoietin like 3; plus strand), DOCK7 (dedicator of cytokinesis 7; minus strand). Cytogenetic location: 1p31.3.
Variant type: single nucleotide variant.
Coding change: c.521G>A on transcript NM_014495.4 (MANE Select); coding-DNA position 521, G replaced by A.
Protein change: p.Ser174Asn; replaces serine 174 with asparagine.
Molecular consequence: missense variant. On other transcripts: intron variant (7).
Genome position (GRCh38, 1-based): chr1:62,598,721, G>A. VCF-style: chr1-62598721-G-A. GRCh37 (hg19) VCF-style: chr1-63064392-G-A.
Other names: c.1683-12097C>T (NM_001272001.2, NM_001272000.2, NM_033407.4 and 4 more transcripts); short protein forms S174N.
Identifiers: ClinVar variation 4811097 (VCV004811097.1).
Genomic context (GRCh38, chr1:62,598,721, plus strand): 5'-AAGCAACTTATAACCAACCTACTCTCTATATCCAGACTTTTGTAGAAAAACAAGATAATA[G>A]CATCAAAGACCTTCTCCAGACCGTGGAAGACCAATATAAACAATTAAACCAACAGCATAG-3'
Protein context (NP_055310.1, residues 164-184): LKTFVEKQDN[Ser174Asn]IKDLLQTVED

ClinVar aggregate classification (germline): Uncertain significance (1 of 4 stars; one submission).

Submission:

Labcorp Genetics (formerly Invitae), Labcorp
Classification: Uncertain significance. Last evaluated: 2025-06-14. Review status: criteria provided, single submitter. Criteria: Invitae Variant Classification Sherloc (09022015). Collection method: clinical testing. Allele origin: germline.
Comment: This sequence change replaces serine, which is neutral and polar, with asparagine, which is neutral and polar, at codon 174 of the ANGPTL3 protein (p.Ser174Asn). This variant is not present in population databases (gnomAD no frequency). This variant has not been reported in the literature in individuals affected with ANGPTL3-related conditions. An algorithm developed to predict the effect of missense changes on protein structure and function outputs the following: PolyPhen-2: "Benign". The asparagine amino acid residue is found in multiple mammalian species, which suggests that this missense change does not adversely affect protein function. In summary, the available evidence is currently insufficient to determine the role of this variant in disease. Therefore, it has been classified as a Variant of Uncertain Significance.